The following is an entry in ClinVar:

NM_017841.4(SDHAF2):c.75G>T (p.Leu25Phe)

Gene: SDHAF2 (succinate dehydrogenase complex assembly factor 2; plus strand). Cytogenetic location: 11q12.2.
Variant type: single nucleotide variant.
Coding change: c.75G>T on transcript NM_017841.4 (MANE Select); coding-DNA position 75, G replaced by T.
Protein change: p.Leu25Phe; replaces leucine 25 with phenylalanine.
Molecular consequence: missense variant.
Genome position (GRCh38, 1-based): chr11:61,437,663, G>T. VCF-style: chr11-61437663-G-T. GRCh37 (hg19) VCF-style: chr11-61205135-G-T.
Other names: short protein forms L25F.
Identifiers: ClinVar variation 2563441 (VCV002563441.2), dbSNP rs2134892142, ClinGen allele CA380682912.

ClinVar aggregate classification (germline): Uncertain significance (1 of 4 stars; one submission).

Conditions:
Hereditary cancer-predisposing syndrome. Also called: Neoplastic Syndromes, Hereditary; Hereditary Cancer Syndrome; Hereditary neoplastic syndrome; Tumor predisposition. Identifiers: Orphanet 140162, MedGen C0027672, MeSH D009386, MONDO:0015356.

Submission:

Ambry Genetics
Classification: Uncertain significance for Hereditary cancer-predisposing syndrome. Last evaluated: 2023-04-07. Review status: criteria provided, single submitter. Criteria: Ambry Variant Classification Scheme 2023. Collection method: clinical testing. Allele origin: germline.
Comment: The p.L25F variant (also known as c.75G>T), located in coding exon 2 of the SDHAF2 gene, results from a G to T substitution at nucleotide position 75. The leucine at codon 25 is replaced by phenylalanine, an amino acid with highly similar properties. This amino acid position is conserved. In addition, this alteration is predicted to be tolerated by in silico analysis. Since supporting evidence is limited at this time, the clinical significance of this alteration remains unclear.